The following is an entry in ClinVar:

NM_021625.5(TRPV4):c.126G>A (p.Gly42=)

Gene: TRPV4 (transient receptor potential cation channel subfamily V member 4; minus strand). Cytogenetic location: 12q24.11.
Variant type: single nucleotide variant.
Coding change: c.126G>A on transcript NM_021625.5 (MANE Select); coding-DNA position 126, G replaced by A.
Protein change: p.Gly42=; no amino-acid change (glycine 42 retained).
Molecular consequence: synonymous variant. On other transcripts: intron variant (1).
Genome position (GRCh38, 1-based): chr12:109,814,671, C>T on the plus strand (G>A on the coding strand, the complement: TRPV4 is on the minus strand). VCF-style: chr12-109814671-C-T. GRCh37 (hg19) VCF-style: chr12-110252476-C-T.
Other names: c.126G>A, p.Gly42= (NM_001177428.2, NM_001177433.2, NM_147204.3); c.79+47G>A (NM_001177431.1).
Identifiers: ClinVar variation 391062 (VCV000391062.3), dbSNP rs1057523956, ClinGen allele CA16606466.

ClinVar aggregate classification (germline): Likely benign. Review status: criteria provided, multiple submitters, no conflicts (2 of 4 stars). 2 submissions from 2 submitters: Likely benign (2). Last evaluated 2019-07-11.

Conditions:
Inborn genetic diseases. Identifiers: MedGen C0950123, MeSH D030342.

Submissions (2):

Ambry Genetics
Classification: Likely benign for Inborn genetic diseases. Last evaluated: 2019-07-11. Review status: criteria provided, single submitter. Criteria: Ambry Variant Classification Scheme 2023. Collection method: clinical testing. Allele origin: germline.

GeneDx
Classification: Likely benign. Last evaluated: 2016-11-17. Review status: criteria provided, single submitter. Criteria: GeneDx Variant Classification (06012015). Collection method: clinical testing. Allele origin: germline. Affected: yes.
Comment: This variant is considered likely benign or benign based on one or more of the following criteria: it is a conservative change, it occurs at a poorly conserved position in the protein, it is predicted to be benign by multiple in silico algorithms, and/or has population frequency not consistent with disease.